The following is an entry in ClinVar:

NM_001358235.2(DCHS2):c.9130C>T (p.Arg3044Trp)

Genes: DCHS2-AS1 (DCHS2 antisense RNA 1; plus strand), DCHS2 (dachsous cadherin-related 2; minus strand). Cytogenetic location: 4q31.3.
Variant type: single nucleotide variant.
Coding change: c.9130C>T on transcript NM_001358235.2 (MANE Select); coding-DNA position 9130, C replaced by T.
Protein change: p.Arg3044Trp; replaces arginine 3044 with tryptophan.
Molecular consequence: missense variant.
Genome position (GRCh38, 1-based): chr4:154,235,522, G>A on the plus strand (C>T on the coding strand, the complement: DCHS2 is on the minus strand). VCF-style: chr4-154235522-G-A. GRCh37 (hg19) VCF-style: chr4-155156674-G-A.
Other names: short protein forms R3044W.
Identifiers: ClinVar variation 3045678 (VCV003045678.2), dbSNP rs74491447, ClinGen allele CA3111806.

ClinVar aggregate classification (germline): Likely benign (0 of 4 stars; one submission).

Conditions:
DCHS2-related disorder. Also called: DCHS2-related condition.

Allele frequency attached by ClinVar (database versions not stated): gnomAD exomes 0.00023; ExAC 0.00070; 1000 Genomes Project 30x 0.00125; 1000 Genomes Project 0.00160; gnomAD 0.00187; ESP Exome Variant Server 0.00200; TOPMed 0.00211.
gnomAD v4.1: 655 of 1,613,974 alleles (0.041%); highest among the groups gnomAD compares: African/African-American, 0.64%; 3 homozygotes.

Submission:

PreventionGenetics, part of Exact Sciences
Classification: Likely benign for DCHS2-related condition. Last evaluated: 2019-11-26. Review status: no assertion criteria provided. Collection method: clinical testing. Allele origin: germline.
Comment: This variant is classified as likely benign based on ACMG/AMP sequence variant interpretation guidelines (Richards et al. 2015 PMID: 25741868, with internal and published modifications).